The following is an entry in ClinVar:

NM_000465.4(BARD1):c.1973G>C (p.Arg658Pro)

Gene: BARD1 (BRCA1 associated RING domain 1; minus strand). Cytogenetic location: 2q35.
Variant type: single nucleotide variant.
Coding change: c.1973G>C on transcript NM_000465.4 (MANE Select); coding-DNA position 1973, G replaced by C.
Protein change: p.Arg658Pro; replaces arginine 658 with proline.
Molecular consequence: missense variant. On other transcripts: non-coding transcript variant (3).
Genome position (GRCh38, 1-based): chr2:214,730,439, C>G on the plus strand (G>C on the coding strand, the complement: BARD1 is on the minus strand). VCF-style: chr2-214730439-C-G. GRCh37 (hg19) VCF-style: chr2-215595163-C-G.
Other names: c.1973G>C (NM_000465.2); c.1916G>C, p.Arg639Pro (NM_001282543.2); c.620G>C, p.Arg207Pro (NM_001282545.2); c.563G>C, p.Arg188Pro (NM_001282548.2); c.434G>C, p.Arg145Pro (NM_001282549.2); short protein forms R658P, R145P, R188P, R207P, R639P.
Identifiers: ClinVar variation 530204 (VCV000530204.16), dbSNP rs377227840, ClinGen allele CA350451136.

ClinVar aggregate classification (germline): Uncertain significance. Review status: criteria provided, multiple submitters, no conflicts (2 of 4 stars). 4 submissions from 4 submitters: Uncertain significance (4). Last evaluated 2025-05-28.

Conditions:
Familial cancer of breast. Also called: BREAST CANCER, FAMILIAL; Hereditary breast cancer; hereditary breast carcinoma. Identifiers: Orphanet 227535, MedGen C0346153, MONDO:0016419, OMIM 114480. Disease mechanism: loss of function.
Hereditary cancer-predisposing syndrome. Also called: Hereditary neoplastic syndrome; Neoplastic Syndromes, Hereditary; Hereditary Cancer Syndrome; Tumor predisposition. Identifiers: Orphanet 140162, MedGen C0027672, MeSH D009386, MONDO:0015356.

gnomAD v4.1: 1 of 1,613,794 alleles (0.000062%); highest among the groups gnomAD compares: Non-Finnish European, 0.000085%; no homozygotes.

Submissions (4):

Ambry Genetics
Classification: Uncertain significance for Hereditary cancer-predisposing syndrome. Last evaluated: 2025-05-28. Review status: criteria provided, single submitter. Criteria: Ambry Variant Classification Scheme 2023. Collection method: clinical testing. Allele origin: germline.
Comment: The p.R658P variant (also known as c.1973G>C), located in coding exon 10 of the BARD1 gene, results from a G to C substitution at nucleotide position 1973. The arginine at codon 658 is replaced by proline, an amino acid with dissimilar properties. This amino acid position is poorly conserved in available vertebrate species. In addition, this alteration is predicted to be tolerated by in silico analysis. Since supporting evidence is limited at this time, the clinical significance of this alteration remains unclear.

Labcorp Genetics (formerly Invitae), Labcorp
Classification: Uncertain significance for Familial cancer of breast. Last evaluated: 2024-07-04. Review status: criteria provided, single submitter. Criteria: Invitae Variant Classification Sherloc (09022015). Collection method: clinical testing. Allele origin: germline.
Comment: This sequence change replaces arginine, which is basic and polar, with proline, which is neutral and non-polar, at codon 658 of the BARD1 protein (p.Arg658Pro). This variant is not present in population databases (gnomAD no frequency). This variant has not been reported in the literature in individuals affected with BARD1-related conditions. ClinVar contains an entry for this variant (Variation ID: 530204). An algorithm developed to predict the effect of missense changes on protein structure and function (PolyPhen-2) suggests that this variant is likely to be tolerated. In summary, the available evidence is currently insufficient to determine the role of this variant in disease. Therefore, it has been classified as a Variant of Uncertain Significance.

Baylor Genetics
Classification: Uncertain significance for Familial cancer of breast. Last evaluated: 2024-03-28. Review status: criteria provided, single submitter. Criteria: ACMG Guidelines, 2015. Collection method: clinical testing. Allele origin: unknown.

Color Diagnostics, LLC DBA Color Health
Classification: Uncertain significance for Hereditary cancer-predisposing syndrome. Last evaluated: 2019-03-19. Review status: criteria provided, single submitter. Criteria: ACMG Guidelines, 2015. Collection method: clinical testing. Allele origin: germline.